The following is an entry in ClinVar:

NM_000719.7(CACNA1C):c.6117+11C>T

Genes: CACNA1C-AS1 (CACNA1C antisense RNA 1; minus strand), CACNA1C (calcium voltage-gated channel subunit alpha1 C; plus strand). Cytogenetic location: 12p13.33.
Variant type: single nucleotide variant.
Coding change: c.6117+11C>T on transcript NM_000719.7 (MANE Select); 11 bases into the intron after coding-DNA position 6117, C replaced by T.
Molecular consequence: intron variant.
Genome position (GRCh38, 1-based): chr12:2,688,790, C>T. VCF-style: chr12-2688790-C-T. GRCh37 (hg19) VCF-style: chr12-2797956-C-T.
Other names: c.6222+11C>T (NM_001167624.3, NM_001129830.3); c.6117+11C>T (NM_001167623.2, NM_001129840.2, NM_001129842.2 and 2 more transcripts); c.6297+11C>T (NM_001167625.2); c.6366+11C>T (NM_199460.4); c.6261+11C>T (NM_001129827.2); c.6177+11C>T (NM_001129832.2); c.6201+11C>T (NM_001129831.2); c.6174+11C>T (NM_001129833.2, NM_001129834.2, NM_001129835.2); and 6 more.
Identifiers: ClinVar variation 2642574 (VCV002642574.26), dbSNP rs1360974120, ClinGen allele CA686846546.
Genomic context (GRCh38, chr12:2,688,790, plus strand): 5'-GGGCCCCAGGGAGGCAGTTCCACGGCAGTGCCAGCAGCCTGGTGGAAGCGGTAGGTGACT[C>T]GCAGATGGGCAGGGGGGAGAGGCCACGGGCAACAAGGGGACTTGGCATGCGGGGCTGAGA-3'

ClinVar aggregate classification (germline): Likely benign. Review status: criteria provided, multiple submitters, no conflicts (2 of 4 stars). 3 submissions from 3 submitters: Likely benign (3). Last evaluated 2025-08-03.

Conditions:
Long QT syndrome (LQTS). Identifiers: MedGen C0023976, MeSH D008133, MONDO:0002442. Disease mechanism: loss of function. Inheritance: Various modes of inheritance.

Allele frequency attached by ClinVar (database versions not stated): gnomAD exomes below 0.00001; gnomAD 0.00001.
gnomAD v4.1: 7 of 1,495,784 alleles (0.00047%); highest among the groups gnomAD compares: East Asian, 0.0048%; no homozygotes.

Submissions (3):

Labcorp Genetics (formerly Invitae), Labcorp
Classification: Likely benign for Long QT syndrome. Last evaluated: 2025-08-03. Review status: criteria provided, single submitter. Criteria: Invitae Variant Classification Sherloc (09022015). Collection method: clinical testing. Allele origin: germline.

Blueprint Genetics
Classification: Likely benign. Last evaluated: 2024-11-27. Review status: criteria provided, single submitter. Criteria: ACMG Guidelines, 2015. Collection method: clinical testing. Allele origin: germline.

CeGaT Center for Human Genetics Tuebingen
Classification: Likely benign. Last evaluated: 2022-11-01. Review status: criteria provided, single submitter. Criteria: CeGaT Center For Human Genetics Tuebingen Variant Classification Criteria Version 2. Collection method: clinical testing. Allele origin: germline. Affected: yes. Observed: 1 variant allele.
Comment: CACNA1C: BS2